The following is an entry in ClinVar:

ClinVar aggregate classification (germline): Uncertain significance. Review status: criteria provided, multiple submitters, no conflicts (2 of 4 stars). 2 submissions from 2 submitters: Uncertain significance (2). Last evaluated 2026-01-14.

Allele frequency attached by ClinVar (database versions not stated): gnomAD exomes below 0.00001.
gnomAD v4.1: 2 of 1,613,342 alleles (0.00012%); highest among the groups gnomAD compares: Non-Finnish European, 0.00017%; no homozygotes.

Submissions (2):

Labcorp Genetics (formerly Invitae), Labcorp
Classification: Uncertain significance. Last evaluated: 2026-01-14. Review status: criteria provided, single submitter. Criteria: Invitae Variant Classification Sherloc (09022015). Collection method: clinical testing. Allele origin: germline.
Comment: This sequence change replaces aspartic acid, which is acidic and polar, with asparagine, which is neutral and polar, at codon 577 of the BUB1 protein (p.Asp577Asn). This variant is not present in population databases (gnomAD no frequency). This variant has not been reported in the literature in individuals affected with BUB1-related conditions. ClinVar contains an entry for this variant (Variation ID: 1778925). Experimental studies and prediction algorithms are not available or were not evaluated, and the functional significance of this variant is currently unknown. In summary, the available evidence is currently insufficient to determine the role of this variant in disease. Therefore, it has been classified as a Variant of Uncertain Significance.

Ambry Genetics
Classification: Uncertain significance. Last evaluated: 2022-01-29. Review status: criteria provided, single submitter. Criteria: Ambry Variant Classification Scheme 2023. Collection method: clinical testing. Allele origin: germline.
Comment: The p.D577N variant (also known as c.1729G>A), located in coding exon 16 of the BUB1 gene, results from a G to A substitution at nucleotide position 1729. The aspartic acid at codon 577 is replaced by asparagine, an amino acid with highly similar properties. This amino acid position is conserved. In addition, this alteration is predicted to be tolerated by in silico analysis. Since supporting evidence is limited at this time, the clinical significance of this alteration remains unclear.

NM_004336.5(BUB1):c.1729G>A (p.Asp577Asn)

Gene: BUB1 (BUB1 mitotic checkpoint serine/threonine kinase; minus strand). Cytogenetic location: 2q13.
Variant type: single nucleotide variant.
Coding change: c.1729G>A on transcript NM_004336.5 (MANE Select); coding-DNA position 1729, G replaced by A.
Protein change: p.Asp577Asn; replaces aspartic acid 577 with asparagine.
Molecular consequence: missense variant.
Genome position (GRCh38, 1-based): chr2:110,655,886, C>T on the plus strand (G>A on the coding strand, the complement: BUB1 is on the minus strand). VCF-style: chr2-110655886-C-T. GRCh37 (hg19) VCF-style: chr2-111413463-C-T.
Other names: c.1669G>A, p.Asp557Asn (NM_001278616.2); c.1729G>A, p.Asp577Asn (NM_001278617.2); short protein forms D577N, D557N.
Identifiers: ClinVar variation 1778925 (VCV001778925.3), dbSNP rs2104534470, ClinGen allele CA348211032.
Genomic context (GRCh38, chr2:110,655,886, plus strand): 5'-GGCTCTTAGGACTGGGTGCCAGGGTTTTGTTGCAGCGAATACCCCATACAGTTGAGTCAT[C>T]CAAAAACTCTTCAGCATGAGGCACTTCCTCCTATAACAGAAGATGAAATGAAAAAAAAGC-3'
Protein context (NP_004327.1, residues 567-587): EEVPHAEEFL[Asp577Asn]DSTVWGIRCN